The following is an entry in ClinVar:

ClinVar aggregate classification (germline): Uncertain significance (1 of 4 stars; one submission).

Submission:

Labcorp Genetics (formerly Invitae), Labcorp
Classification: Uncertain significance. Last evaluated: 2023-12-07. Review status: criteria provided, single submitter. Criteria: Invitae Variant Classification Sherloc (09022015). Collection method: clinical testing. Allele origin: germline.
Comment: This sequence change replaces glutamic acid, which is acidic and polar, with lysine, which is basic and polar, at codon 477 of the FAM186B protein (p.Glu477Lys). This variant is not present in population databases (gnomAD no frequency). This variant has not been reported in the literature in individuals affected with FAM186B-related conditions. ClinVar contains an entry for this variant (Variation ID: 2010588). An algorithm developed to predict the effect of missense changes on protein structure and function (PolyPhen-2) suggests that this variant is likely to be tolerated. In summary, the available evidence is currently insufficient to determine the role of this variant in disease. Therefore, it has been classified as a Variant of Uncertain Significance.

NM_032130.3(FAM186B):c.1429G>A (p.Glu477Lys)

Gene: FAM186B (family with sequence similarity 186 member B; minus strand). Cytogenetic location: 12q13.12.
Variant type: single nucleotide variant.
Coding change: c.1429G>A on transcript NM_032130.3 (MANE Select); coding-DNA position 1429, G replaced by A.
Protein change: p.Glu477Lys; replaces glutamic acid 477 with lysine.
Molecular consequence: missense variant. On other transcripts: non-coding transcript variant (1).
Genome position (GRCh38, 1-based): chr12:49,600,211, C>T on the plus strand (G>A on the coding strand, the complement: FAM186B is on the minus strand). VCF-style: chr12-49600211-C-T. GRCh37 (hg19) VCF-style: chr12-49993994-C-T.
Other names: short protein forms E477K.
Identifiers: ClinVar variation 2010588 (VCV002010588.4), dbSNP rs2547700458, ClinGen allele CA384714701.